The following is an entry in ClinVar:

NM_006206.6(PDGFRA):c.1322C>A (p.Pro441Gln)

Gene: PDGFRA (platelet derived growth factor receptor alpha; plus strand). Cytogenetic location: 4q12.
Variant type: single nucleotide variant.
Coding change: c.1322C>A on transcript NM_006206.6 (MANE Select); coding-DNA position 1322, C replaced by A.
Protein change: p.Pro441Gln; replaces proline 441 with glutamine.
Molecular consequence: missense variant.
Genome position (GRCh38, 1-based): chr4:54,272,478, C>A. VCF-style: chr4-54272478-C-A. GRCh37 (hg19) VCF-style: chr4-55138645-C-A.
Other names: c.1322C>A, p.Pro441Gln (NM_001347827.2, NM_001347829.2); c.1397C>A, p.Pro466Gln (NM_001347828.2); c.1361C>A, p.Pro454Gln (NM_001347830.2); short protein forms P441Q, P454Q, P466Q.
Identifiers: ClinVar variation 1001179 (VCV001001179.9), dbSNP rs1031763557, ClinGen allele CA356892303.

ClinVar aggregate classification (germline): Uncertain significance (1 of 4 stars; one submission).

Conditions:
Gastrointestinal stromal tumor. Also called: Gastrointestinal stromal tumor, somatic; Gastrointestinal stroma tumor. Identifiers: Orphanet 44890, MedGen C0238198, MeSH D046152, MONDO:0011719, OMIM 606764, HP:0100723.

Submission:

Labcorp Genetics (formerly Invitae), Labcorp
Classification: Uncertain significance for Gastrointestinal stromal tumor. Last evaluated: 2020-06-17. Review status: criteria provided, single submitter. Criteria: Invitae Variant Classification Sherloc (09022015). Collection method: clinical testing. Allele origin: germline.
Comment: This variant has not been reported in the literature in individuals with PDGFRA-related conditions. In summary, the available evidence is currently insufficient to determine the role of this variant in disease. Therefore, it has been classified as a Variant of Uncertain Significance. Algorithms developed to predict the effect of missense changes on protein structure and function (SIFT, PolyPhen-2, Align-GVGD) all suggest that this variant is likely to be disruptive, but these predictions have not been confirmed by published functional studies and their clinical significance is uncertain. This variant is not present in population databases (ExAC no frequency). This sequence change replaces proline with glutamine at codon 441 of the PDGFRA protein (p.Pro441Gln). The proline residue is highly conserved and there is a moderate physicochemical difference between proline and glutamine.